The following is an entry in ClinVar:

ClinVar aggregate classification (germline): Uncertain significance (1 of 4 stars; one submission).

Conditions:
Glutaric aciduria, type 1. Also called: Glutaricaciduria, type I; Glutaryl-CoA dehydrogenase deficiency; Glutaric acidemia type I; Glutaricacidemia Type 1; GA I; Glutaric Acidemia Type 1. Identifiers: Orphanet 25, MedGen C0268595, MONDO:0009281, OMIM 231670.

Allele frequency attached by ClinVar (database versions not stated): gnomAD exomes 0.00001; ExAC 0.00002.
gnomAD v4.1: 32 of 1,612,900 alleles (0.002%); highest among the groups gnomAD compares: East Asian, 0.0045%; no homozygotes.

Submission:

Labcorp Genetics (formerly Invitae), Labcorp
Classification: Uncertain significance for Glutaric aciduria, type 1. Last evaluated: 2021-08-31. Review status: criteria provided, single submitter. Criteria: Invitae Variant Classification Sherloc (09022015). Collection method: clinical testing. Allele origin: germline.
Comment: This sequence change replaces glycine with serine at codon 288 of the GCDH protein (p.Gly288Ser). The glycine residue is highly conserved and there is a small physicochemical difference between glycine and serine. This variant is present in population databases (rs774157793, ExAC 0.003%). This variant has not been reported in the literature in individuals affected with GCDH-related conditions. Algorithms developed to predict the effect of missense changes on protein structure and function are either unavailable or do not agree on the potential impact of this missense change (SIFT: "Tolerated"; PolyPhen-2: "Possibly Damaging"; Align-GVGD: "Class C0"). Algorithms developed to predict the effect of sequence changes on RNA splicing suggest that this variant may create or strengthen a splice site. In summary, the available evidence is currently insufficient to determine the role of this variant in disease. Therefore, it has been classified as a Variant of Uncertain Significance.

NM_000159.4(GCDH):c.862G>A (p.Gly288Ser)

Gene: GCDH (glutaryl-CoA dehydrogenase; plus strand). Cytogenetic location: 19p13.13.
Variant type: single nucleotide variant.
Coding change: c.862G>A on transcript NM_000159.4 (MANE Select); coding-DNA position 862, G replaced by A.
Protein change: p.Gly288Ser; replaces glycine 288 with serine.
Molecular consequence: missense variant. On other transcripts: non-coding transcript variant (2).
Genome position (GRCh38, 1-based): chr19:12,896,919, G>A. VCF-style: chr19-12896919-G-A. GRCh37 (hg19) VCF-style: chr19-13007733-G-A.
Other names: c.862G>A, p.Gly288Ser (NM_013976.5); short protein forms G288S.
Identifiers: ClinVar variation 1416650 (VCV001416650.5), dbSNP rs774157793, ClinGen allele CA9234534.